The following is an entry in ClinVar:

ClinVar aggregate classification (germline): Likely benign (0 of 4 stars; one submission).

Conditions:
ESRP1-related disorder. Also called: ESRP1-related condition.

Allele frequency attached by ClinVar (database versions not stated): ExAC 0.00027; TOPMed 0.00032; gnomAD 0.00035; gnomAD exomes 0.00036; ESP Exome Variant Server 0.00050.
gnomAD v4.1: 591 of 1,613,132 alleles (0.037%); highest among the groups gnomAD compares: Middle Eastern, 0.3%; no homozygotes.

Submission:

PreventionGenetics, part of Exact Sciences
Classification: Likely benign for ESRP1-related condition. Last evaluated: 2019-03-01. Review status: no assertion criteria provided. Collection method: clinical testing. Allele origin: germline.
Comment: This variant is classified as likely benign based on ACMG/AMP sequence variant interpretation guidelines (Richards et al. 2015 PMID: 25741868, with internal and published modifications).

NM_017697.4(ESRP1):c.798C>T (p.Asn266=)

Gene: ESRP1 (epithelial splicing regulatory protein 1; plus strand). Cytogenetic location: 8q22.1.
Variant type: single nucleotide variant.
Coding change: c.798C>T on transcript NM_017697.4 (MANE Select); coding-DNA position 798, C replaced by T.
Protein change: p.Asn266=; no amino-acid change (asparagine 266 retained).
Molecular consequence: synonymous variant.
Genome position (GRCh38, 1-based): chr8:94,664,969, C>T. VCF-style: chr8-94664969-C-T. GRCh37 (hg19) VCF-style: chr8-95677197-C-T.
Other names: c.798C>T, p.Asn266= (NM_001034915.3, NM_001122825.2, NM_001122826.2 and 1 more transcripts).
Identifiers: ClinVar variation 3051202 (VCV003051202.2), dbSNP rs368959736, ClinGen allele CA4812131.